The following is an entry in ClinVar:

NM_002541.4(OGDH):c.1474G>T (p.Glu492Ter)

Gene: OGDH (oxoglutarate dehydrogenase; plus strand). Cytogenetic location: 7p13.
Variant type: single nucleotide variant.
Coding change: c.1474G>T on transcript NM_002541.4 (MANE Select); coding-DNA position 1474, G replaced by T.
Protein change: p.Glu492Ter; replaces glutamic acid 492 with a stop codon.
Molecular consequence: nonsense.
Genome position (GRCh38, 1-based): chr7:44,693,963, G>T. VCF-style: chr7-44693963-G-T. GRCh37 (hg19) VCF-style: chr7-44733562-G-T.
Other names: c.1462G>T, p.Glu488Ter (NM_001165036.2); c.1507G>T, p.Glu503Ter (NM_001363523.2); short protein forms E488*, E492*, E503*.
Identifiers: ClinVar variation 1381193 (VCV001381193.6), dbSNP rs1585381934, ClinGen allele CA367418047.

ClinVar aggregate classification (germline): Uncertain significance (1 of 4 stars; one submission).

Conditions:
Oxoglutaricaciduria. Identifiers: Orphanet 31, MedGen C2752074, MONDO:0008759, OMIM 203740.

Submission:

Labcorp Genetics (formerly Invitae), Labcorp
Classification: Uncertain significance for Oxoglutaricaciduria. Last evaluated: 2022-01-11. Review status: criteria provided, single submitter. Criteria: Invitae Variant Classification Sherloc (09022015). Collection method: clinical testing. Allele origin: germline.
Comment: In summary, the available evidence is currently insufficient to determine the role of this variant in disease. Therefore, it has been classified as a Variant of Uncertain Significance. This variant has not been reported in the literature in individuals affected with OGDH-related conditions. This variant is not present in population databases (gnomAD no frequency). This sequence change creates a premature translational stop signal (p.Glu492*) in the OGDH gene. It is expected to result in an absent or disrupted protein product. However, the current clinical and genetic evidence is not sufficient to establish whether loss-of-function variants in OGDH cause disease.